The following is an entry in ClinVar:

ClinVar aggregate classification (germline): Uncertain significance (1 of 4 stars; one submission).

Conditions:
Dystonia 16 (DYT16). Also called: DYT-PRKRA. Identifiers: Orphanet 210571, MedGen C2677567, MONDO:0012789, OMIM 612067.

Allele frequency attached by ClinVar (database versions not stated): gnomAD exomes below 0.00001 and 0.00001; ExAC 0.00001; gnomAD 0.00001.
gnomAD v4.1: 7 of 1,610,018 alleles (0.00043%); highest among the groups gnomAD compares: Admixed American, 0.0017%; no homozygotes.

Submission:

Labcorp Genetics (formerly Invitae), Labcorp
Classification: Uncertain significance for Dystonia 16. Last evaluated: 2020-08-26. Review status: criteria provided, single submitter. Criteria: Invitae Variant Classification Sherloc (09022015). Collection method: clinical testing. Allele origin: germline.
Comment: In summary, the available evidence is currently insufficient to determine the role of this variant in disease. Therefore, it has been classified as a Variant of Uncertain Significance. Algorithms developed to predict the effect of sequence changes on RNA splicing suggest that this variant may create or strengthen a splice site, but this prediction has not been confirmed by published transcriptional studies. Algorithms developed to predict the effect of missense changes on protein structure and function output the following: SIFT: "Tolerated"; PolyPhen-2: "Benign"; Align-GVGD: "Class C0". The valine amino acid residue is found in multiple mammalian species, suggesting that this missense change does not adversely affect protein function. These predictions have not been confirmed by published functional studies and their clinical significance is uncertain. This variant has not been reported in the literature in individuals with PRKRA-related disease. This variant is present in population databases (rs769913085, ExAC 0.009%). This sequence change replaces isoleucine with valine at codon 256 of the PRKRA protein (p.Ile256Val). The isoleucine residue is moderately conserved and there is a small physicochemical difference between isoleucine and valine.

NM_003690.5(PRKRA):c.766A>G (p.Ile256Val)

Genes: CHROMR (cholesterol induced regulator of metabolism RNA; plus strand), PRKRA (protein activator of interferon induced protein kinase EIF2AK2; minus strand). Cytogenetic location: 2q31.2.
Variant type: single nucleotide variant.
Coding change: c.766A>G on transcript NM_003690.5 (MANE Select); coding-DNA position 766, A replaced by G.
Protein change: p.Ile256Val; replaces isoleucine 256 with valine.
Molecular consequence: missense variant.
Genome position (GRCh38, 1-based): chr2:178,436,163, T>C on the plus strand (A>G on the coding strand, the complement: PRKRA is on the minus strand). VCF-style: chr2-178436163-T-C. GRCh37 (hg19) VCF-style: chr2-179300890-T-C.
Other names: c.733A>G, p.Ile245Val (NM_001139517.2); c.691A>G, p.Ile231Val (NM_001139518.2); c.427A>G, p.Ile143Val (NM_001316362.2); short protein forms I256V, I231V, I143V, I245V.
Identifiers: ClinVar variation 537331 (VCV000537331.8), dbSNP rs769913085, ClinGen allele CA1983780.